The following is an entry in ClinVar:

NM_006904.7(PRKDC):c.3200C>T (p.Ala1067Val)

Gene: PRKDC (protein kinase, DNA-activated, catalytic subunit; minus strand). Cytogenetic location: 8q11.21.
Variant type: single nucleotide variant.
Coding change: c.3200C>T on transcript NM_006904.7 (MANE Select); coding-DNA position 3200, C replaced by T.
Protein change: p.Ala1067Val; replaces alanine 1067 with valine.
Molecular consequence: missense variant.
Genome position (GRCh38, 1-based): chr8:47,902,638, G>A on the plus strand (C>T on the coding strand, the complement: PRKDC is on the minus strand). VCF-style: chr8-47902638-G-A. GRCh37 (hg19) VCF-style: chr8-48815198-G-A.
Other names: c.3200C>T, p.Ala1067Val (NM_001081640.2); short protein forms A1067V.
Identifiers: ClinVar variation 1728811 (VCV001728811.2), dbSNP rs1178128453, ClinGen allele CA371156704.

ClinVar aggregate classification (germline): Uncertain significance (1 of 4 stars; one submission).

Allele frequency attached by ClinVar (database versions not stated): gnomAD exomes 0.00001.
gnomAD v4.1: 7 of 1,613,102 alleles (0.00043%); highest among the groups gnomAD compares: East Asian, 0.0022%; no homozygotes.

Submission:

Ambry Genetics
Classification: Uncertain significance. Last evaluated: 2021-07-31. Review status: criteria provided, single submitter. Criteria: Ambry Variant Classification Scheme 2023. Collection method: clinical testing. Allele origin: germline.
Comment: The p.A1067V variant (also known as c.3200C>T), located in coding exon 27 of the PRKDC gene, results from a C to T substitution at nucleotide position 3200. The alanine at codon 1067 is replaced by valine, an amino acid with similar properties. This amino acid position is conserved. In addition, this alteration is predicted to be deleterious by in silico analysis. Since supporting evidence is limited at this time, the clinical significance of this alteration remains unclear.